The following is an entry in ClinVar:

NM_000503.6(EYA1):c.1255T>C (p.Cys419Arg)

Gene: EYA1 (EYA transcriptional coactivator and phosphatase 1; minus strand). Cytogenetic location: 8q13.3.
Variant type: single nucleotide variant.
Coding change: c.1255T>C on transcript NM_000503.6 (MANE Select); coding-DNA position 1255, T replaced by C.
Protein change: p.Cys419Arg; replaces cysteine 419 with arginine.
Molecular consequence: missense variant.
Genome position (GRCh38, 1-based): chr8:71,216,797, A>G on the plus strand (T>C on the coding strand, the complement: EYA1 is on the minus strand). VCF-style: chr8-71216797-A-G. GRCh37 (hg19) VCF-style: chr8-72129032-A-G.
Other names: c.1156T>C, p.Cys386Arg (NM_172060.4, NM_001411797.1); c.1237T>C, p.Cys413Arg (NM_001288574.2, NM_172059.5); c.889T>C, p.Cys297Arg (NM_001288575.2); c.1342T>C, p.Cys448Arg (NM_001370333.1); c.1255T>C, p.Cys419Arg (NM_001370334.1, NM_001370335.1, NM_172058.4); c.1234T>C, p.Cys412Arg (NM_001370336.1); short protein forms C412R, C413R, C386R, C419R, C448R, C297R.
Identifiers: ClinVar variation 4252162 (VCV004252162.3).

ClinVar aggregate classification (germline): Uncertain significance. Review status: criteria provided, multiple submitters, no conflicts (2 of 4 stars). 2 submissions from 2 submitters: Uncertain significance (2). Last evaluated 2025-08-10.

Conditions:
Branchiootic syndrome 1 (BOS1). Also called: BO SYNDROME 1; BRANCHIOOTIC DYSPLASIA. Identifiers: MedGen C1865143, MONDO:0011258, OMIM 602588.
Otofaciocervical syndrome 1 (OTFCS). Identifiers: MedGen C3714941, MONDO:0024532, OMIM 166780.
Branchiootorenal syndrome 1. Also called: Branchio-Oto-Renal Syndrome 1. Identifiers: Orphanet 107, MedGen C4551702, MONDO:0007236, OMIM 113650.
Inborn genetic diseases. Identifiers: MedGen C0950123, MeSH D030342.

gnomAD v4.1: 6 of 1,614,078 alleles (0.00037%); highest among the groups gnomAD compares: African/African-American, 0.0027%; no homozygotes.

Submissions (2):

Ambry Genetics
Classification: Uncertain significance for Inborn genetic diseases. Last evaluated: 2025-08-10. Review status: criteria provided, single submitter. Criteria: Ambry Variant Classification Scheme 2023. Collection method: clinical testing. Allele origin: germline.

Juno Genomics, Hangzhou Juno Genomics, Inc
Classification: Uncertain significance for Otofaciocervical syndrome 1; Branchiootic syndrome 1; Branchiootorenal syndrome 1. Review status: criteria provided, single submitter. Criteria: ACMG Guidelines, 2015. Collection method: clinical testing. Allele origin: germline.
Comment: Absent from controls (or at extremely low frequency if recessive) in Genome Aggregation Database.;Multiple lines of computational evidence support a deleterious effect on the gene or gene product.